The following is an entry in ClinVar:

NM_144687.4(NLRP12):c.2340C>T (p.Asn780=)

Gene: NLRP12 (NLR family pyrin domain containing 12; minus strand). Cytogenetic location: 19q13.42.
Variant type: single nucleotide variant.
Coding change: c.2340C>T on transcript NM_144687.4 (MANE Select); coding-DNA position 2340, C replaced by T.
Protein change: p.Asn780=; no amino-acid change (asparagine 780 retained).
Molecular consequence: synonymous variant.
Genome position (GRCh38, 1-based): chr19:53,805,354, G>A on the plus strand (C>T on the coding strand, the complement: NLRP12 is on the minus strand). VCF-style: chr19-53805354-G-A. GRCh37 (hg19) VCF-style: chr19-54308608-G-A.
Other names: c.2343C>T, p.Asn781= (NM_001277126.2); c.2340C>T, p.Asn780= (NM_001277129.1).
Identifiers: ClinVar variation 735719 (VCV000735719.46), dbSNP rs371264069, ClinGen allele CA9639115.

ClinVar aggregate classification (germline): Likely benign. Review status: criteria provided, multiple submitters, no conflicts (2 of 4 stars). 4 submissions from 4 submitters: Likely benign (3). 1 of the submissions does not count toward it. Last evaluated 2025-12-04.

Conditions:
NLRP12-related disorder. Also called: NLRP12-related conditions; NLRP12-related condition.
Familial cold autoinflammatory syndrome 2 (FCAS2). Identifiers: Orphanet 247868, MedGen C2673198, MONDO:0012724, OMIM 611762.

Allele frequency attached by ClinVar (database versions not stated): gnomAD 0.00011; TOPMed 0.00012; ESP Exome Variant Server 0.00015; 1000 Genomes Project 30x 0.00016; 1000 Genomes Project 0.00020.
gnomAD v4.1: 122 of 1,614,058 alleles (0.0076%); highest among the groups gnomAD compares: Admixed American, 0.013%; no homozygotes.

Submissions (4):

Labcorp Genetics (formerly Invitae), Labcorp
Classification: Likely benign for Familial cold autoinflammatory syndrome 2. Last evaluated: 2025-12-04. Review status: criteria provided, single submitter. Criteria: Invitae Variant Classification Sherloc (09022015). Collection method: clinical testing. Allele origin: germline.

Blueprint Genetics
Classification: Likely benign. Last evaluated: 2024-05-29. Review status: criteria provided, single submitter. Criteria: ACMG Guidelines, 2015. Collection method: clinical testing. Allele origin: germline.

CeGaT Center for Human Genetics Tuebingen
Classification: Likely benign. Last evaluated: 2021-07-01. Review status: criteria provided, single submitter. Criteria: CeGaT Center For Human Genetics Tuebingen Variant Classification Criteria Version 2. Collection method: clinical testing. Allele origin: germline. Affected: yes. Observed: 1 variant allele.

PreventionGenetics, part of Exact Sciences
Classification: Likely benign for NLRP12-related condition. Last evaluated: 2019-03-05. Review status: no assertion criteria provided. Collection method: clinical testing. Allele origin: germline. Not counted in ClinVar's aggregate classification.
Comment: This variant is classified as likely benign based on ACMG/AMP sequence variant interpretation guidelines (Richards et al. 2015 PMID: 25741868, with internal and published modifications).